The following is an entry in ClinVar:

ClinVar aggregate classification (germline): Uncertain significance. Review status: criteria provided, multiple submitters, no conflicts (2 of 4 stars). 3 submissions from 3 submitters: Uncertain significance (3). Last evaluated 2025-12-16.

Conditions:
Inborn genetic diseases. Identifiers: MedGen C0950123, MeSH D030342.

Allele frequency attached by ClinVar (database versions not stated): TOPMed 0.00001.
gnomAD v4.1: 21 of 1,595,938 alleles (0.0013%); highest among the groups gnomAD compares: Admixed American, 0.0067%; no homozygotes.

Submissions (3):

Ambry Genetics
Classification: Uncertain significance for Inborn genetic diseases. Last evaluated: 2025-12-16. Review status: criteria provided, single submitter. Criteria: Ambry Variant Classification Scheme 2023. Collection method: clinical testing. Allele origin: germline.

Labcorp Genetics (formerly Invitae), Labcorp
Classification: Uncertain significance. Last evaluated: 2025-12-11. Review status: criteria provided, single submitter. Criteria: Invitae Variant Classification Sherloc (09022015). Collection method: clinical testing. Allele origin: germline.
Comment: This sequence change replaces proline, which is neutral and non-polar, with leucine, which is neutral and non-polar, at codon 338 of the ACAN protein (p.Pro338Leu). This variant is present in population databases (rs374218750, gnomAD 0.006%). This variant has not been reported in the literature in individuals affected with ACAN-related conditions. ClinVar contains an entry for this variant (Variation ID: 386685). Invitae Evidence Modeling of protein sequence and biophysical properties (such as structural, functional, and spatial information, amino acid conservation, physicochemical variation, residue mobility, and thermodynamic stability) indicates that this missense variant is not expected to disrupt ACAN protein function with a negative predictive value of 80%. In summary, the available evidence is currently insufficient to determine the role of this variant in disease. Therefore, it has been classified as a Variant of Uncertain Significance.

GeneDx
Classification: Uncertain significance. Last evaluated: 2019-05-09. Review status: criteria provided, single submitter. Criteria: GeneDx Variant Classification Process June 2021. Collection method: clinical testing. Allele origin: germline. Affected: yes.
Comment: In silico analysis, which includes protein predictors and evolutionary conservation, supports a deleterious effect; Has not been previously published as pathogenic or benign to our knowledge

NM_001369268.1(ACAN):c.1013C>T (p.Pro338Leu)

Gene: ACAN (aggrecan; plus strand). Cytogenetic location: 15q26.1.
Variant type: single nucleotide variant.
Coding change: c.1013C>T on transcript NM_001369268.1 (MANE Select); coding-DNA position 1013, C replaced by T.
Protein change: p.Pro338Leu; replaces proline 338 with leucine.
Molecular consequence: missense variant.
Genome position (GRCh38, 1-based): chr15:88,843,610, C>T. VCF-style: chr15-88843610-C-T. GRCh37 (hg19) VCF-style: chr15-89386841-C-T.
Other names: c.1013C>T, p.Pro338Leu (NM_001135.4, NM_013227.4); short protein forms P338L.
Identifiers: ClinVar variation 386685 (VCV000386685.9), dbSNP rs374218750, ClinGen allele CA7719424.